The following is an entry in ClinVar:

ClinVar aggregate classification (germline): Pathogenic/Likely pathogenic. Review status: criteria provided, multiple submitters, no conflicts (2 of 4 stars). 7 submissions from 7 submitters: Pathogenic (1); Likely pathogenic (6). Last evaluated 2026-09-25.

Conditions:
TYR-related disorder. Also called: TYR-related condition.
Oculocutaneous albinism type 1A (OCA1A). Also called: Albinism, oculocutaneous, type IA. Identifiers: Orphanet 352731, Orphanet 79431, MedGen C4551504, MONDO:0008745, OMIM 203100. Disease mechanism: loss of function.
Oculocutaneous albinism type 1B (OCA1B). Also called: ALBINISM, OCULOCUTANEOUS, TYPE IB; ALBINISM, YELLOW MUTANT TYPE; YELLOW ALBINISM. Identifiers: Orphanet 352731, Orphanet 352737, Orphanet 79434, MedGen C1847024, MONDO:0011749, OMIM 606952.
Oculocutaneous albinism type 1. Also called: Albinism 1; ALBINISM I. Identifiers: Orphanet 352731, MedGen C0268494, MONDO:0018135. Disease mechanism: loss of function.
Oculocutaneous albinism. Identifiers: Orphanet 55, MedGen C0078918, MONDO:0018910.

Allele frequency attached by ClinVar (database versions not stated): gnomAD 0.00003 and 0.00004; TOPMed 0.00005; gnomAD exomes below 0.00001.
gnomAD v4.1: 8 of 1,613,660 alleles (0.0005%); highest among the groups gnomAD compares: African/African-American, 0.008%; no homozygotes.

Submissions (7):

PreventionGenetics, part of Exact Sciences
Classification: Likely pathogenic for TYR-related condition. Last evaluated: 2026-09-25. Review status: criteria provided, single submitter. Criteria: ACMG Guidelines, 2015. Collection method: clinical testing. Allele origin: germline.
Comment: The TYR c.980A>G variant is predicted to result in the amino acid substitution p.Tyr327Cys. This variant has been reported in individuals with oculocutaneous albinism (King et al. 2003. PubMed ID: 13680365; Loftus et al. 2023. PubMed ID: 37327787; Table S2, Ionova et al. 2026. PubMed ID: 41428507). At PreventionGenetics, this variant has been detected along with a pathogenic TYR variant in multiple individuals undergoing testing for oculocutaneous albinism. The p.Tyr327Cys substitution is predicted damaging to the protein and functional studies have confirmed it causes a complete ablation of enzyme activity (Mondal et al. 2016. PubMed ID: 27537549). This variant is reported in 0.023% of alleles in individuals of African descent in gnomAD. This variant is interpreted as likely pathogenic.

Myriad Genetics, Inc.
Classification: Likely pathogenic for Oculocutaneous albinism type 1. Last evaluated: 2025-06-19. Review status: criteria provided, single submitter. Criteria: Myriad Autosomal Dominant, Autosomal Recessive and X-Linked Classification Criteria (2023). Collection method: clinical testing. Allele origin: unknown.
Comment: NM_000372.4(TYR):c.980A>G(Y327C) is a missense variant classified as likely pathogenic in the context of oculocutaneous albinism, TYR-related. Y327C has been observed in cases with relevant disease (PMID: 37327787, Aqauron_2004_(Article)). Relevant functional assessments of this variant are available in the literature (PMID: 27537549). Y327C has not been observed in referenced population frequency databases. In summary, NM_000372.4(TYR):c.980A>G(Y327C) is a missense variant that has functional support for pathogenicity and has been observed more frequently in cases with the relevant disease than in healthy populations. Please note: this variant was assessed in the context of healthy population screening.

Labcorp Genetics (formerly Invitae), Labcorp
Classification: Likely pathogenic. Last evaluated: 2025-05-25. Review status: criteria provided, single submitter. Criteria: Invitae Variant Classification Sherloc (09022015). Collection method: clinical testing. Allele origin: germline.
Comment: This sequence change replaces tyrosine, which is neutral and polar, with cysteine, which is neutral and slightly polar, at codon 327 of the TYR protein (p.Tyr327Cys). This variant is present in population databases (no rsID available, gnomAD 0.02%). This missense change has been observed in individuals with clinical features of oculocutaneous albinism (PMID: 13680365; internal data). ClinVar contains an entry for this variant (Variation ID: 585280). Invitae Evidence Modeling of protein sequence and biophysical properties (such as structural, functional, and spatial information, amino acid conservation, physicochemical variation, residue mobility, and thermodynamic stability) indicates that this missense variant is expected to disrupt TYR protein function with a positive predictive value of 95%. Experimental studies have shown that this missense change affects TYR function (PMID: 27537549). In summary, the currently available evidence indicates that the variant is pathogenic, but additional data are needed to prove that conclusively. Therefore, this variant has been classified as Likely Pathogenic.

Illumina Laboratory Services, Illumina
Classification: Likely pathogenic for Oculocutaneous albinism. Last evaluated: 2025-02-13. Review status: criteria provided, single submitter. Criteria: ICSLVariantClassificationCriteria RUGD 01 April 2020. Collection method: clinical testing. Allele origin: unknown.

Laboratory of Genetic Epidemiology, Research Centre for Medical Genetics
Classification: Likely pathogenic for Oculocutaneous albinism type 1A; Oculocutaneous albinism type 1B. Last evaluated: 2025-01-01. Review status: criteria provided, single submitter. Criteria: ACMG Guidelines, 2015. Collection method: clinical testing. Allele origin: biparental. Inheritance: Autosomal recessive inheritance. Affected: yes. Observed: 1 homozygote.
Comment: This variant has been previously reported in the literature (PMIDs: 13680365, 27537549) and is listed in gnomAD v3.1.2 with allele frequency 0.00003 (5/152146). The affected amino acid position is evolutionarily conserved, and multiple in silico prediction tools support a deleterious effect. Taken together, the variant meets the following ACMG/AMP criteria and can be classified as likely pathogenic with PM2, PP3, PS3, PM3, PP4 criteria.

Genome-Nilou Lab
Classification: Likely pathogenic for Oculocutaneous albinism type 1A. Last evaluated: 2021-07-22. Review status: criteria provided, single submitter. Criteria: ACMG Guidelines, 2015. Collection method: clinical testing. Allele origin: germline. Affected: no.

Center of Genomic medicine, Geneva, University Hospital of Geneva
Classification: Pathogenic for Oculocutaneous albinism type 1A. Last evaluated: 2018-01-08. Review status: criteria provided, single submitter. Criteria: ACMG Guidelines, 2015. Collection method: clinical testing. Allele origin: maternal. Affected: yes. Observed: 2 variant alleles.

Literature cited by the submitters: PubMed 27537549 (cited by 3 submitters); PubMed 13680365 (cited by Labcorp Genetics (formerly Invitae), Labcorp and Laboratory of Genetic Epidemiology, Research Centre for Medical Genetics); PubMed 7 (cited by Labcorp Genetics (formerly Invitae), Labcorp); PubMed 6 (cited by Labcorp Genetics (formerly Invitae), Labcorp); PubMed 41428507 (cited by Laboratory of Genetic Epidemiology, Research Centre for Medical Genetics).

NM_000372.5(TYR):c.980A>G (p.Tyr327Cys)

Gene: TYR (tyrosinase; plus strand). Cytogenetic location: 11q14.3.
Variant type: single nucleotide variant.
Coding change: c.980A>G on transcript NM_000372.5 (MANE Select); coding-DNA position 980, A replaced by G.
Protein change: p.Tyr327Cys; replaces tyrosine 327 with cysteine.
Molecular consequence: missense variant.
Genome position (GRCh38, 1-based): chr11:89,191,362, A>G. VCF-style: chr11-89191362-A-G. GRCh37 (hg19) VCF-style: chr11-88924530-A-G.
Other names: short protein forms Y327C.
Identifiers: ClinVar variation 585280 (VCV000585280.17), dbSNP rs1031268531, ClinGen allele CA226295700.